The following is an entry in ClinVar:

ClinVar aggregate classification (germline): Conflicting classifications of pathogenicity. Review status: criteria provided, conflicting classifications (1 of 4 stars). 6 submissions from 4 submitters: Uncertain significance (4); Likely benign (1). 1 of the submissions does not count toward it. Last evaluated 2026-01-05.

Conditions:
Thrombophilia due to thrombin defect (THPH1). Also called: Thrombosis susceptibility; THROMBOPHILIA DUE TO FACTOR 2 DEFECT; Prothrombin-Related Thrombophilia (Factor II); Prothrombin Thrombophilia. Identifiers: MedGen C3160733, MONDO:0008559, OMIM 188050. Disease mechanism: gain of function, loss of function.
Factor V deficiency. Also called: Reduced coagulation factor V activity. Identifiers: Orphanet 326, MedGen C4317320, MONDO:0020586, HP:0003225.
F5-related disorder. Also called: F5-related condition.
Congenital factor V deficiency. Also called: Hereditary factor V deficiency disease; LABILE FACTOR DEFICIENCY; PARAHEMOPHILIA; OWREN PARAHEMOPHILIA. Identifiers: Orphanet 326, MedGen C0015499, MONDO:0009210, OMIM 227400.
Budd-Chiari syndrome (BDCHS). Also called: Hepatic vein obstruction. Identifiers: Orphanet 131, MedGen C0856761, MONDO:0010947, OMIM 600880, HP:0002639.
Inborn genetic diseases. Identifiers: MedGen C0950123, MeSH D030342.

Allele frequency attached by ClinVar (database versions not stated): gnomAD 0.00002; ESP Exome Variant Server 0.00008; TOPMed 0.00025; ExAC 0.00030; gnomAD exomes 0.00039.
gnomAD v4.1: 116 of 1,613,956 alleles (0.0072%); highest among the groups gnomAD compares: Admixed American, 0.18%; no homozygotes.

Submissions (6):

Labcorp Genetics (formerly Invitae), Labcorp
Classification: Likely benign for Congenital factor V deficiency. Last evaluated: 2026-01-05. Review status: criteria provided, single submitter. Criteria: Invitae Variant Classification Sherloc (09022015). Collection method: clinical testing. Allele origin: germline.

Ambry Genetics
Classification: Uncertain significance for Inborn genetic diseases. Last evaluated: 2025-08-23. Review status: criteria provided, single submitter. Criteria: Ambry Variant Classification Scheme 2023. Collection method: clinical testing. Allele origin: germline.

Illumina Laboratory Services, Illumina
Classification: Uncertain significance for Congenital factor V deficiency. Last evaluated: 2018-01-13. Review status: criteria provided, single submitter. Criteria: ICSL Variant Classification Criteria 13 December 2019. Collection method: clinical testing. Allele origin: germline.

Illumina Laboratory Services, Illumina
Classification: Uncertain significance for Budd-Chiari syndrome. Last evaluated: 2018-01-13. Review status: criteria provided, single submitter. Criteria: ICSL Variant Classification Criteria 13 December 2019. Collection method: clinical testing. Allele origin: germline.

Illumina Laboratory Services, Illumina
Classification: Uncertain significance for Venous thrombosis. Last evaluated: 2018-01-13. Review status: criteria provided, single submitter. Criteria: ICSL Variant Classification Criteria 13 December 2019. Collection method: clinical testing. Allele origin: germline.

PreventionGenetics, part of Exact Sciences
Classification: Uncertain significance for F5-related condition. Last evaluated: 2024-02-29. Review status: no assertion criteria provided. Collection method: clinical testing. Allele origin: germline. Not counted in ClinVar's aggregate classification.
Comment: The F5 c.3402C>A variant is predicted to result in the amino acid substitution p.Asp1134Glu. To our knowledge, this variant has not been reported in the literature. This variant is reported in 0.28% of alleles in individuals of Latino descent in gnomAD. Although we suspect that this variant may be benign, at this time, the clinical significance of this variant is uncertain due to the absence of conclusive functional and genetic evidence.

NM_000130.5(F5):c.3402C>A (p.Asp1134Glu)

Gene: F5 (coagulation factor V; minus strand). Cytogenetic location: 1q24.2.
Variant type: single nucleotide variant.
Coding change: c.3402C>A on transcript NM_000130.5 (MANE Select); coding-DNA position 3402, C replaced by A.
Protein change: p.Asp1134Glu; replaces aspartic acid 1134 with glutamic acid.
Molecular consequence: missense variant.
Genome position (GRCh38, 1-based): chr1:169,541,688, G>T on the plus strand (C>A on the coding strand, the complement: F5 is on the minus strand). VCF-style: chr1-169541688-G-T. GRCh37 (hg19) VCF-style: chr1-169510926-G-T.
Other names: short protein forms D1134E.
Identifiers: ClinVar variation 293609 (VCV000293609.17), dbSNP rs373880789, ClinGen allele CA1233917.